The following is an entry in ClinVar:

ClinVar aggregate classification (germline): Conflicting classifications of pathogenicity. Review status: criteria provided, conflicting classifications (1 of 4 stars). 4 submissions from 4 submitters: Uncertain significance (3); Likely benign (1). Last evaluated 2026-01-31.

Conditions:
Retinoblastoma (RB1). Also called: RETINOBLASTOMA, SOMATIC. Identifiers: Orphanet 790, MedGen C0035335, MeSH D012175, MONDO:0008380, OMIM 180200, HP:0009919. Disease mechanism: loss of function. Inheritance: Both sporadic and heritable forms are tested..
Hereditary cancer-predisposing syndrome. Also called: Neoplastic Syndromes, Hereditary; Tumor predisposition; Hereditary neoplastic syndrome; Hereditary Cancer Syndrome. Identifiers: Orphanet 140162, MedGen C0027672, MeSH D009386, MONDO:0015356.

Allele frequency attached by ClinVar (database versions not stated): gnomAD exomes 0.00002.
gnomAD v4.1: 22 of 1,499,126 alleles (0.0015%); highest among the groups gnomAD compares: Non-Finnish European, 0.0019%; no homozygotes.

Submissions (4):

Labcorp Genetics (formerly Invitae), Labcorp
Classification: Likely benign for Retinoblastoma. Last evaluated: 2026-01-31. Review status: criteria provided, single submitter. Criteria: Invitae Variant Classification Sherloc (09022015). Collection method: clinical testing. Allele origin: germline.

Ambry Genetics
Classification: Uncertain significance for Hereditary cancer-predisposing syndrome. Last evaluated: 2025-06-03. Review status: criteria provided, single submitter. Criteria: Ambry Variant Classification Scheme 2023. Collection method: clinical testing. Allele origin: germline.
Comment: The p.P25L variant (also known as c.74C>T), located in coding exon 1 of the RB1 gene, results from a C to T substitution at nucleotide position 74. The proline at codon 25 is replaced by leucine, an amino acid with similar properties. This amino acid position is not well conserved in available vertebrate species. In addition, the in silico prediction for this alteration is inconclusive. Since supporting evidence is limited at this time, the clinical significance of this alteration remains unclear.

Molecular Pathology, Peter Maccallum Cancer Centre
Classification: Uncertain significance for Retinoblastoma. Last evaluated: 2024-03-21. Review status: criteria provided, single submitter. Criteria: ACMG Guidelines, 2015. Collection method: clinical testing. Allele origin: germline. Inheritance: Autosomal dominant inheritance.

All of Us Research Program, National Institutes of Health
Classification: Uncertain significance for Retinoblastoma. Last evaluated: 2023-03-09. Review status: criteria provided, single submitter. Criteria: ACMG Guidelines, 2015. Collection method: clinical testing. Allele origin: germline. Inheritance: Autosomal dominant inheritance. Observed: 1 variant allele, 1 heterozygote.
Comment: This missense variant replaces proline with leucine at codon 25 of the RB1 protein. Computational prediction suggests that this variant may not impact protein structure and function (internally defined REVEL score threshold <= 0.5, PMID: 27666373). To our knowledge, functional studies have not been reported for this variant. This variant has not been reported in individuals affected with RB1-related disorders in the literature. This variant has not been identified in the general population by the Genome Aggregation Database (gnomAD). The available evidence is insufficient to determine the role of this variant in disease conclusively. Therefore, this variant is classified as a Variant of Uncertain Significance.

This study involves interpretation of variants in research participants for the purpose of population health screening. Participant phenotype was not available at the time of variant classification. Additional details can be found in publication PMID: 35346344, PMCID: PMC8962531

NM_000321.3(RB1):c.74C>T (p.Pro25Leu)

Gene: RB1 (RB transcriptional corepressor 1; plus strand). Cytogenetic location: 13q14.2.
Variant type: single nucleotide variant.
Coding change: c.74C>T on transcript NM_000321.3 (MANE Select); coding-DNA position 74, C replaced by T.
Protein change: p.Pro25Leu; replaces proline 25 with leucine.
Molecular consequence: missense variant.
Genome position (GRCh38, 1-based): chr13:48,303,986, C>T. VCF-style: chr13-48303986-C-T. GRCh37 (hg19) VCF-style: chr13-48878122-C-T.
Other names: short protein forms P25L.
Identifiers: ClinVar variation 827087 (VCV000827087.11), dbSNP rs1593412158, ClinGen allele CA388250274.